The following is an entry in ClinVar:

NM_014244.5(ADAMTS2):c.3358A>G (p.Met1120Val)

Gene: ADAMTS2 (ADAM metallopeptidase with thrombospondin type 1 motif 2; minus strand). Cytogenetic location: 5q35.3.
Variant type: single nucleotide variant.
Coding change: c.3358A>G on transcript NM_014244.5 (MANE Select); coding-DNA position 3358, A replaced by G.
Protein change: p.Met1120Val; replaces methionine 1120 with valine.
Molecular consequence: missense variant.
Genome position (GRCh38, 1-based): chr5:179,114,145, T>C on the plus strand (A>G on the coding strand, the complement: ADAMTS2 is on the minus strand). VCF-style: chr5-179114145-T-C. GRCh37 (hg19) VCF-style: chr5-178541146-T-C.
Other names: short protein forms M1120V.
Identifiers: ClinVar variation 1436217 (VCV001436217.5), dbSNP rs2113161569, ClinGen allele CA362411898.

ClinVar aggregate classification (germline): Uncertain significance (1 of 4 stars; one submission).

Conditions:
Ehlers-Danlos syndrome, dermatosparaxis type. Also called: EDS VIIC; Dermatosparaxis; Ehlers-Danlos syndrome, type VII, autosomal recessive. Identifiers: Orphanet 1901, MedGen C2700425, MONDO:0009161, OMIM 225410.

Allele frequency attached by ClinVar (database versions not stated): gnomAD exomes 0.00001.

Submission:

Labcorp Genetics (formerly Invitae), Labcorp
Classification: Uncertain significance for Ehlers-Danlos syndrome, dermatosparaxis type. Last evaluated: 2021-08-20. Review status: criteria provided, single submitter. Criteria: Invitae Variant Classification Sherloc (09022015). Collection method: clinical testing. Allele origin: germline.
Comment: This sequence change replaces methionine with valine at codon 1120 of the ADAMTS2 protein (p.Met1120Val). The methionine residue is moderately conserved and there is a small physicochemical difference between methionine and valine. This variant is not present in population databases (ExAC no frequency). This variant has not been reported in the literature in individuals affected with ADAMTS2-related conditions. Algorithms developed to predict the effect of missense changes on protein structure and function output the following: SIFT: "Tolerated"; PolyPhen-2: "Benign"; Align-GVGD: "Class C0". The valine amino acid residue is found in multiple mammalian species, which suggests that this missense change does not adversely affect protein function. In summary, the available evidence is currently insufficient to determine the role of this variant in disease. Therefore, it has been classified as a Variant of Uncertain Significance.